The following is an entry in ClinVar:

NM_004974.4(KCNA2):c.166G>C (p.Glu56Gln)

Gene: KCNA2 (potassium voltage-gated channel subfamily A member 2; minus strand). Cytogenetic location: 1p13.3.
Variant type: single nucleotide variant.
Coding change: c.166G>C on transcript NM_004974.4 (MANE Select); coding-DNA position 166, G replaced by C.
Protein change: p.Glu56Gln; replaces glutamic acid 56 with glutamine.
Molecular consequence: missense variant.
Genome position (GRCh38, 1-based): chr1:110,604,617, C>G on the plus strand (G>C on the coding strand, the complement: KCNA2 is on the minus strand). VCF-style: chr1-110604617-C-G. GRCh37 (hg19) VCF-style: chr1-111147239-C-G.
Other names: c.166G>C, p.Glu56Gln (NM_001204269.2); short protein forms E56Q.
Identifiers: ClinVar variation 2783884 (VCV002783884.3), dbSNP rs1039144241, ClinGen allele CA28809250.

ClinVar aggregate classification (germline): Uncertain significance (1 of 4 stars; one submission).

Conditions:
Developmental and epileptic encephalopathy, 32 (DEE32). Also called: Epileptic encephalopathy, early infantile, 32. Identifiers: Orphanet 442835, MedGen C4225350, MONDO:0014607, OMIM 616366.

Allele frequency attached by ClinVar (database versions not stated): TOPMed 0.00002.

Submission:

Labcorp Genetics (formerly Invitae), Labcorp
Classification: Uncertain significance for Developmental and epileptic encephalopathy, 32. Last evaluated: 2023-05-30. Review status: criteria provided, single submitter. Criteria: Invitae Variant Classification Sherloc (09022015). Collection method: clinical testing. Allele origin: germline.
Comment: In summary, the available evidence is currently insufficient to determine the role of this variant in disease. Therefore, it has been classified as a Variant of Uncertain Significance. Advanced modeling of protein sequence and biophysical properties (such as structural, functional, and spatial information, amino acid conservation, physicochemical variation, residue mobility, and thermodynamic stability) performed at Invitae indicates that this missense variant is not expected to disrupt KCNA2 protein function. This variant has not been reported in the literature in individuals affected with KCNA2-related conditions. This variant is not present in population databases (gnomAD no frequency). This sequence change replaces glutamic acid, which is acidic and polar, with glutamine, which is neutral and polar, at codon 56 of the KCNA2 protein (p.Glu56Gln).